The following is an entry in ClinVar:

NM_170784.3(MKKS):c.834C>G (p.Asn278Lys)

Gene: MKKS (MKKS centrosomal shuttling protein; minus strand). Cytogenetic location: 20p12.2.
Variant type: single nucleotide variant.
Coding change: c.834C>G on transcript NM_170784.3 (MANE Select); coding-DNA position 834, C replaced by G.
Protein change: p.Asn278Lys; replaces asparagine 278 with lysine.
Molecular consequence: missense variant.
Genome position (GRCh38, 1-based): chr20:10,412,681, G>C on the plus strand (C>G on the coding strand, the complement: MKKS is on the minus strand). VCF-style: chr20-10412681-G-C. GRCh37 (hg19) VCF-style: chr20-10393329-G-C.
Other names: c.834C>G (NM_018848.2); c.834C>G, p.Asn278Lys (NM_018848.3); short protein forms N278K.
Identifiers: ClinVar variation 1495831 (VCV001495831.6), dbSNP rs575896442, ClinGen allele CA9763618.

ClinVar aggregate classification (germline): Uncertain significance. Review status: criteria provided, multiple submitters, no conflicts (2 of 4 stars). 4 submissions from 4 submitters: Uncertain significance (4). Last evaluated 2025-03-01.

Conditions:
Bardet-Biedl syndrome (BBS). Identifiers: Orphanet 110, MedGen C0752166, MONDO:0015229.
McKusick-Kaufman syndrome (MKKS). Also called: HYDROMETROCOLPOS SYNDROME; HYDROMETROCOLPOS, POSTAXIAL POLYDACTYLY, AND CONGENITAL HEART MALFORMATION. Identifiers: Orphanet 2473, MedGen C0948368, MONDO:0009367, OMIM 236700.
Bardet-Biedl syndrome 6 (BBS6). Identifiers: Orphanet 110, MedGen C1858054, MONDO:0011523, OMIM 605231.
Inborn genetic diseases. Identifiers: MedGen C0950123, MeSH D030342.

Allele frequency attached by ClinVar (database versions not stated): gnomAD exomes 0.00001; TOPMed 0.00001; ExAC 0.00002.
gnomAD v4.1: 10 of 1,614,152 alleles (0.00062%); highest among the groups gnomAD compares: Non-Finnish European, 0.00017%; no homozygotes.

Submissions (4):

Ambry Genetics
Classification: Uncertain significance for Inborn genetic diseases. Last evaluated: 2025-03-01. Review status: criteria provided, single submitter. Criteria: Ambry Variant Classification Scheme 2023. Collection method: clinical testing. Allele origin: germline.

Fulgent Genetics
Classification: Uncertain significance for McKusick-Kaufman syndrome; Bardet-Biedl syndrome 6. Last evaluated: 2024-04-18. Review status: criteria provided, single submitter. Criteria: ACMG Guidelines, 2015. Collection method: clinical testing. Allele origin: germline.

Labcorp Genetics (formerly Invitae), Labcorp
Classification: Uncertain significance for McKusick-Kaufman syndrome; Bardet-Biedl syndrome. Last evaluated: 2022-10-13. Review status: criteria provided, single submitter. Criteria: Invitae Variant Classification Sherloc (09022015). Collection method: clinical testing. Allele origin: germline.
Comment: This sequence change replaces asparagine, which is neutral and polar, with lysine, which is basic and polar, at codon 278 of the MKKS protein (p.Asn278Lys). This variant is present in population databases (rs575896442, gnomAD 0.03%). This variant has not been reported in the literature in individuals affected with MKKS-related conditions. ClinVar contains an entry for this variant (Variation ID: 1495831). Advanced modeling of protein sequence and biophysical properties (such as structural, functional, and spatial information, amino acid conservation, physicochemical variation, residue mobility, and thermodynamic stability) performed at Invitae indicates that this missense variant is not expected to disrupt MKKS protein function. In summary, the available evidence is currently insufficient to determine the role of this variant in disease. Therefore, it has been classified as a Variant of Uncertain Significance.

Blueprint Genetics
Classification: Uncertain significance. Last evaluated: 2020-09-03. Review status: criteria provided, single submitter. Criteria: ACMG Guidelines, 2015. Collection method: clinical testing. Allele origin: germline.